The following is an entry in ClinVar:

NM_000493.4(COL10A1):c.1784G>C (p.Gly595Ala)

Genes: COL10A1 (collagen type X alpha 1 chain; minus strand), NT5DC1 (5'-nucleotidase domain containing 1; plus strand). Cytogenetic location: 6q22.1.
Variant type: single nucleotide variant.
Coding change: c.1784G>C on transcript NM_000493.4 (MANE Select); coding-DNA position 1784, G replaced by C.
Protein change: p.Gly595Ala; replaces glycine 595 with alanine.
Molecular consequence: missense variant. On other transcripts: intron variant (1).
Genome position (GRCh38, 1-based): chr6:116,120,332, C>G on the plus strand (G>C on the coding strand, the complement: COL10A1 is on the minus strand). VCF-style: chr6-116120332-C-G. GRCh37 (hg19) VCF-style: chr6-116441495-C-G.
Other names: c.1784G>C, p.Gly595Ala (NM_001424106.1, NM_001424107.1); c.529+2387C>G (NM_152729.3); short protein forms G595A.
Identifiers: ClinVar variation 2815945 (VCV002815945.3), dbSNP rs111033553, ClinGen allele CA365386873.

ClinVar aggregate classification (germline): Uncertain significance (1 of 4 stars; one submission).

Submission:

Labcorp Genetics (formerly Invitae), Labcorp
Classification: Uncertain significance. Last evaluated: 2024-10-23. Review status: criteria provided, single submitter. Criteria: Invitae Variant Classification Sherloc (09022015). Collection method: clinical testing. Allele origin: germline.
Comment: This sequence change replaces glycine, which is neutral and non-polar, with alanine, which is neutral and non-polar, at codon 595 of the COL10A1 protein (p.Gly595Ala). This variant is not present in population databases (gnomAD no frequency). This missense change has been observed in individual(s) with clinical features of metaphyseal chondrodysplasia, Schmid type (internal data). Invitae Evidence Modeling of protein sequence and biophysical properties (such as structural, functional, and spatial information, amino acid conservation, physicochemical variation, residue mobility, and thermodynamic stability) has been performed for this missense variant. However, the output from this modeling did not meet the statistical confidence thresholds required to predict the impact of this variant on COL10A1 protein function. This variant disrupts the p.Gly595 amino acid residue in COL10A1. Other variant(s) that disrupt this residue have been determined to be pathogenic (PMID: 7607655, 10721676, 15880705, 16088909). This suggests that this residue is clinically significant, and that variants that disrupt this residue are likely to be disease-causing. In summary, the available evidence is currently insufficient to determine the role of this variant in disease. Therefore, it has been classified as a Variant of Uncertain Significance.

Literature cited by the submitters: PubMed 7607655; PubMed 10721676; PubMed 15880705; PubMed 16088909.